The following is an entry in ClinVar:

ClinVar aggregate classification (germline): Uncertain significance. Review status: criteria provided, multiple submitters, no conflicts (2 of 4 stars). 2 submissions from 2 submitters: Uncertain significance (2). Last evaluated 2024-10-17.

Conditions:
Multiple cutaneous and mucosal venous malformations (VMCM). Also called: TEK-Related Multiple Cutaneous and Mucosal Venous Malformations (VMCM). Identifiers: Orphanet 2451, MedGen C1838437, MONDO:0010842, OMIM 600195.
Inborn genetic diseases. Identifiers: MedGen C0950123, MeSH D030342.

Allele frequency attached by ClinVar (database versions not stated): gnomAD exomes 0.00007; ExAC 0.00001; gnomAD 0.00001; TOPMed 0.00002.
gnomAD v4.1: 94 of 1,613,648 alleles (0.0058%); highest among the groups gnomAD compares: Non-Finnish European, 0.0079%; no homozygotes.

Submissions (2):

Clinical Genomics Laboratory, Washington University in St. Louis
Classification: Uncertain significance for Multiple cutaneous and mucosal venous malformations. Last evaluated: 2024-10-17. Review status: criteria provided, single submitter. Criteria: ACMG Guidelines, 2015. Collection method: clinical testing. Allele origin: germline.
Comment: The TEK c.2369A>G (p.Glu790Gly) variant was identified at a near heterozygous allelic fraction of 47.4%, a frequency that may be consistent with germline origin. This variant, to our knowledge, has not been reported in the medical literature. It is observed on 94/1,613,648 alleles in the general population (gnomAD v.4.1.0). The TEK c.2369A>G (p.Glu790Gly) variant has been reported in the ClinVar database as a variant of uncertain significance by one submitter (ClinVar ID: 2521195). Computational predictors are uncertain as to the impact of this variant on TIE2 function. Due to limited information and based on ACMG/AMP guidelines for variant interpretation (Richards S et al., PMID: 25741868), the clinical significance of this variant is uncertain at this time.

Ambry Genetics
Classification: Uncertain significance for Inborn genetic diseases. Last evaluated: 2023-03-28. Review status: criteria provided, single submitter. Criteria: Ambry Variant Classification Scheme 2023. Collection method: clinical testing. Allele origin: germline.

NM_000459.5(TEK):c.2369A>G (p.Glu790Gly)

Gene: TEK (TEK receptor tyrosine kinase; plus strand). Cytogenetic location: 9p21.2.
Variant type: single nucleotide variant.
Coding change: c.2369A>G on transcript NM_000459.5 (MANE Select); coding-DNA position 2369, A replaced by G.
Protein change: p.Glu790Gly; replaces glutamic acid 790 with glycine.
Molecular consequence: missense variant.
Genome position (GRCh38, 1-based): chr9:27,206,586, A>G. VCF-style: chr9-27206586-A-G. GRCh37 (hg19) VCF-style: chr9-27206584-A-G.
Other names: c.2240A>G, p.Glu747Gly (NM_001290077.2); c.1925A>G, p.Glu642Gly (NM_001290078.2); c.2366A>G, p.Glu789Gly (NM_001375475.1); c.2237A>G, p.Glu746Gly (NM_001375476.1); short protein forms E746G, E790G, E789G, E642G, E747G.
Identifiers: ClinVar variation 2521195 (VCV002521195.3), dbSNP rs765405804, ClinGen allele CA5016487.